The following is an entry in ClinVar:

ClinVar aggregate classification (germline): Uncertain significance (0 of 4 stars; one submission).

Conditions:
CRELD1-related disorder. Also called: CRELD1-related condition.

gnomAD v4.1: 2 of 1,442,222 alleles (0.00014%); highest among the groups gnomAD compares: Admixed American, 0.0033%; no homozygotes.

Submission:

PreventionGenetics, part of Exact Sciences
Classification: Uncertain significance for CRELD1-related condition. Last evaluated: 2024-04-15. Review status: no assertion criteria provided. Collection method: clinical testing. Allele origin: germline.
Comment: The CRELD1 c.1093C>A variant is predicted to result in the amino acid substitution p.Arg365Ser. This variant is referred to as c.1049-419C>A (intronic) with an alternate transcript NM_015513. To our knowledge, this variant has not been reported in the literature. This variant is reported in 0.0058% of alleles in individuals of Latino descent in gnomAD. At this time, the clinical significance of this variant is uncertain due to the absence of conclusive functional and genetic evidence.

NM_001077415.3(CRELD1):c.1049-419C>A

Gene: CRELD1 (cysteine rich with EGF like domains 1; plus strand). Cytogenetic location: 3p25.3.
Variant type: single nucleotide variant.
Coding change: c.1049-419C>A on transcript NM_001077415.3 (MANE Select); 419 bases into the intron before coding-DNA position 1049, C replaced by A.
Molecular consequence: intron variant. On other transcripts: missense variant (3), 3 prime UTR variant (1).
Genome position (GRCh38, 1-based): chr3:9,943,946, C>A. VCF-style: chr3-9943946-C-A. GRCh37 (hg19) VCF-style: chr3-9985630-C-A.
Other names: c.1093C>A, p.Arg365Ser (NM_001031717.4); c.1105C>A, p.Arg369Ser (NM_001374317.1, NM_001374318.1); c.*195C>A (NM_001410713.1); c.965-419C>A (NM_001374319.1, NM_001374320.1); c.1049-419C>A (NM_001374316.1, NM_015513.6); short protein forms R365S, R369S.
Identifiers: ClinVar variation 3358521 (VCV003358521.1).